The following is an entry in ClinVar:

ClinVar aggregate classification (germline): Pathogenic (1 of 4 stars; one submission).

Conditions:
Familial cancer of breast. Also called: BREAST CANCER, FAMILIAL; Hereditary breast cancer; hereditary breast carcinoma. Identifiers: Orphanet 227535, MedGen C0346153, MONDO:0016419, OMIM 114480. Disease mechanism: loss of function.

Submission:

Myriad Genetics, Inc.
Classification: Pathogenic for Familial cancer of breast. Last evaluated: 2023-12-28. Review status: criteria provided, single submitter. Criteria: Myriad Autosomal Dominant, Autosomal Recessive and X-Linked Classification Criteria (2023). Collection method: clinical testing. Allele origin: unknown.
Comment: This variant is considered pathogenic. This variant creates a frameshift predicted to result in premature protein truncation.

NM_000051.4(ATM):c.5568dup (p.Ser1857fs)

Gene: ATM (ATM serine/threonine kinase; plus strand). Cytogenetic location: 11q22.3.
Variant type: Duplication.
Coding change: c.5568dup on transcript NM_000051.4 (MANE Select); coding-DNA position 5568, one base duplicated (A; older notation c.5568dupA).
Protein change: p.Ser1857fs; shifts the reading frame from serine 1857.
Molecular consequence: frameshift variant.
Genome position (GRCh38, 1-based): chr11:108,304,746, A duplicated; the last of 2 consecutive A bases (chr11:108,304,745-108,304,746); duplicating either gives the same sequence. VCF-style (leftmost placement, unchanged base first): chr11-108304744-G-GA. GRCh37 (hg19) VCF-style: chr11-108175471-G-GA.
Other names: c.5568dup, p.Ser1857fs (NM_001351834.2); short protein forms S1857fs.
Identifiers: ClinVar variation 3148657 (VCV003148657.1), dbSNP rs2546987430, ClinGen allele CA2825001910.
Genomic context (GRCh38, chr11:108,304,744, plus strand): 5'-GACTTTTGTCAGACTGTACTTCCATACTTGATTCATGATATTTTACTCCAAGATACAAAT[G>GA]AATCATGGAGAAATCTGCTTTCTACACATGTTCAGGGATTTTTCACCAGCTGTCTTCGAC-3'